The following is an entry in ClinVar:

NM_005591.4(MRE11):c.343A>G (p.Asn115Asp)

Gene: MRE11 (MRE11 double strand break repair nuclease; minus strand). Cytogenetic location: 11q21.
Variant type: single nucleotide variant.
Coding change: c.343A>G on transcript NM_005591.4 (MANE Select); coding-DNA position 343, A replaced by G.
Protein change: p.Asn115Asp; replaces asparagine 115 with aspartic acid.
Molecular consequence: missense variant.
Genome position (GRCh38, 1-based): chr11:94,479,733, T>C on the plus strand (A>G on the coding strand, the complement: MRE11 is on the minus strand). VCF-style: chr11-94479733-T-C. GRCh37 (hg19) VCF-style: chr11-94212899-T-C.
Other names: c.343A>G (NM_005591.3); c.343A>G, p.Asn115Asp (NM_001330347.2, NM_005590.4); short protein forms N115D.
Identifiers: ClinVar variation 1022956 (VCV001022956.8), dbSNP rs1487875560, ClinGen allele CA382378551.
Genomic context (GRCh38, chr11:94,479,733, plus strand): 5'-CCCCTGTGGGATCGTCATGATTGCCATGAATACTAAACACTGGAATTGAAATGTTGAGGT[T>C]GCCATCTTGATAGTTCACCCATGGAAACCTTAAAAAAAAAAAGTTACTTAAAATTTCCAT-3'
Protein context (NP_005582.1, residues 105-125): KFPWVNYQDG[Asn115Asp]LNISIPVFSI

ClinVar aggregate classification (germline): Uncertain significance. Review status: criteria provided, multiple submitters, no conflicts (2 of 4 stars). 2 submissions from 2 submitters: Uncertain significance (2). Last evaluated 2025-05-08.

Conditions:
Ataxia-telangiectasia-like disorder (ATLD). Identifiers: MedGen C1858391, MONDO:0011457.
Hereditary cancer-predisposing syndrome. Also called: Hereditary Cancer Syndrome; Neoplastic Syndromes, Hereditary; Tumor predisposition; Hereditary neoplastic syndrome. Identifiers: Orphanet 140162, MedGen C0027672, MeSH D009386, MONDO:0015356.

Allele frequency attached by ClinVar (database versions not stated): gnomAD exomes below 0.00001.
gnomAD v4.1: 2 of 1,613,006 alleles (0.00012%); highest among the groups gnomAD compares: Non-Finnish European, 0.00017%; no homozygotes.

Submissions (2):

Ambry Genetics
Classification: Uncertain significance for Hereditary cancer-predisposing syndrome. Last evaluated: 2025-05-08. Review status: criteria provided, single submitter. Criteria: Ambry Variant Classification Scheme 2023. Collection method: clinical testing. Allele origin: germline.
Comment: The p.N115D variant (also known as c.343A>G), located in coding exon 4 of the MRE11A gene, results from an A to G substitution at nucleotide position 343. The asparagine at codon 115 is replaced by aspartic acid, an amino acid with highly similar properties. This amino acid position is conserved. In addition, the in silico prediction for this alteration is inconclusive. Since supporting evidence is limited at this time, the clinical significance of this alteration remains unclear.

Labcorp Genetics (formerly Invitae), Labcorp
Classification: Uncertain significance for Ataxia-telangiectasia-like disorder. Last evaluated: 2022-09-14. Review status: criteria provided, single submitter. Criteria: Invitae Variant Classification Sherloc (09022015). Collection method: clinical testing. Allele origin: germline.
Comment: This sequence change replaces asparagine, which is neutral and polar, with aspartic acid, which is acidic and polar, at codon 115 of the MRE11 protein (p.Asn115Asp). This variant is present in population databases (no rsID available, gnomAD 0.0009%). This variant has not been reported in the literature in individuals affected with MRE11-related conditions. ClinVar contains an entry for this variant (Variation ID: 1022956). Algorithms developed to predict the effect of missense changes on protein structure and function are either unavailable or do not agree on the potential impact of this missense change (SIFT: "Deleterious"; PolyPhen-2: "Probably Damaging"; Align-GVGD: "Class C15"). In summary, the available evidence is currently insufficient to determine the role of this variant in disease. Therefore, it has been classified as a Variant of Uncertain Significance.